The following is an entry in ClinVar:

ClinVar aggregate classification (germline): Pathogenic (1 of 4 stars; one submission).

Conditions:
Autosomal recessive limb-girdle muscular dystrophy type 2A (LGMDR1). Also called: Muscular dystrophy, limb-girdle, type 2A, Amish; LEYDEN-MOEBIUS MUSCULAR DYSTROPHY; MUSCULAR DYSTROPHY, PELVOFEMORAL; Limb-girdle muscular dystrophy, type 2A; Calpainopathy. Identifiers: Orphanet 267, MedGen C1869123, MONDO:0009675, OMIM 253600. Disease mechanism: loss of function.

Submission:

Labcorp Genetics (formerly Invitae), Labcorp
Classification: Pathogenic for Autosomal recessive limb-girdle muscular dystrophy type 2A. Last evaluated: 2022-07-12. Review status: criteria provided, single submitter. Criteria: Invitae Variant Classification Sherloc (09022015). Collection method: clinical testing. Allele origin: germline.
Comment: This variant is not present in population databases (gnomAD no frequency). For these reasons, this variant has been classified as Pathogenic. Retrotransposon insertions including LINE1 (L1), Alu, and SVA (SINE-VNTR-Alu) have been reported to be disease-causing through disruption of either a coding region or splice site (PMID: 19763152, 20307669, 22406018) and loss-of-function variants in CAPN3 are known to be pathogenic (PMID: 10330340, 15689361). Algorithms developed to predict the effect of sequence changes on RNA splicing suggest that this variant may disrupt the consensus splice site. This variant has not been reported in the literature in individuals affected with CAPN3-related conditions. This sequence change inserts a large fragment of DNA, likely a transposable element, in exon 17 of the CAPN3 gene (c.1974_1975ins?), causing a frameshift at codon 659 (p.Lys659fs). The exact size and sequence of the insertion cannot be determined by the current assay. However, the insertion is expected to result in an absent or disrupted protein product.

Literature cited by the submitters: PubMed 19763152; PubMed 20307669; PubMed 22406018; PubMed 10330340; PubMed 15689361.

NM_000070.3(CAPN3):c.1974_1975insTTTTTTTTTTTTTTTTTTTTNNNNNNNNNNGGTTCACGCCATTCTCCTGCCTCGGCCTCCCAAAGTGCTGGGATTACAGGCGTGAGCCACCGCGCCCGGCCTCCGGAACATTTTC (p.Lys659fs)

Gene: CAPN3 (calpain 3; plus strand). Cytogenetic location: 15q15.1.
Variant type: Insertion.
Coding change: c.1974_1975insTTTTTTTTTTTTTTTTTTTTNNNNNNNNNNGGTTCACGCCATTCTCCTGCCTCGGCCTCCCAAAGTGCTGGGATTACAGGCGTGAGCCACCGCGCCCGGCCTCCGGAACATTTTC on transcript NM_000070.3 (MANE Select); coding-DNA positions 1974 to 1975, TTTTTTTTTTTTTTTTTTTTNNNNNNNNNNGGTTCACGCCATTCTCCTGCCTCGGCCTCCCAAAGTGCTGGGATTACAGGCGTGAGCCACCGCGCCCGGCCTCCGGAACATTTTC inserted.
Protein change: p.Lys659fs; shifts the reading frame from lysine 659.
Molecular consequence: frameshift variant. On other transcripts: 5 prime UTR variant (2).
Genome position: GRCh38: chr15:42,409,362-42,409,363. GRCh37 (hg19): chr15:42,701,560-42,701,561.
Other names: c.*1072_*1073insTTTTTTTTTTTTTTTTTTTTNNNNNNNNNNGGTTCACGCCATTCTCCTGCCTCGGCCTCCCAAAGTGCTGGGATTACAGGCGTGAGCCACCGCGCCCGGCCTCCGGAACATTTTC (NM_212464.2); c.*1649_*1650insTTTTTTTTTTTTTTTTTTTTNNNNNNNNNNGGTTCACGCCATTCTCCTGCCTCGGCCTCCCAAAGTGCTGGGATTACAGGCGTGAGCCACCGCGCCCGGCCTCCGGAACATTTTC (NM_212467.2); c.1698_1699insTTTTTTTTTTTTTTTTTTTTNNNNNNNNNNGGTTCACGCCATTCTCCTGCCTCGGCCTCCCAAAGTGCTGGGATTACAGGCGTGAGCCACCGCGCCCGGCCTCCGGAACATTTTC, p.Lys567fs (NM_173087.2); c.438_439insTTTTTTTTTTTTTTTTTTTTNNNNNNNNNNGGTTCACGCCATTCTCCTGCCTCGGCCTCCCAAAGTGCTGGGATTACAGGCGTGAGCCACCGCGCCCGGCCTCCGGAACATTTTC, p.Lys147fs (NM_173088.2); c.1956_1957insTTTTTTTTTTTTTTTTTTTTNNNNNNNNNNGGTTCACGCCATTCTCCTGCCTCGGCCTCCCAAAGTGCTGGGATTACAGGCGTGAGCCACCGCGCCCGGCCTCCGGAACATTTTC, p.Lys653fs (NM_024344.2); c.-22_-21insTTTTTTTTTTTTTTTTTTTTNNNNNNNNNNGGTTCACGCCATTCTCCTGCCTCGGCCTCCCAAAGTGCTGGGATTACAGGCGTGAGCCACCGCGCCCGGCCTCCGGAACATTTTC (NM_173089.2, NM_173090.2); short protein forms K147fs, K567fs, K659fs, K653fs.
Identifiers: ClinVar variation 2016386 (VCV002016386.4), dbSNP rs2548290188.